The following is an entry in ClinVar:

ClinVar aggregate classification (germline): Benign (1 of 4 stars; one submission).

Conditions:
Brachydactyly. Also called: Brachydactyly syndrome; Brachydactyly (disease). Identifiers: MedGen C0221357, MONDO:0021004, HP:0001156.

Allele frequency attached by ClinVar (database versions not stated): gnomAD exomes 0.00019; gnomAD 0.00392; 1000 Genomes Project 30x 0.00453; TOPMed 0.00468; 1000 Genomes Project 0.00539.
gnomAD v4.1: 685 of 174,514 alleles (0.39%); highest among the groups gnomAD compares: African/African-American, 1.6%; 5 homozygotes.

Submission:

Illumina Laboratory Services, Illumina
Classification: Benign for Brachydactyly. Last evaluated: 2018-01-12. Review status: criteria provided, single submitter. Criteria: ICSL Variant Classification Criteria 13 December 2019. Collection method: clinical testing. Allele origin: germline.
Comment: This variant was observed in the ICSL laboratory as part of a predisposition screen in an ostensibly healthy population. It had not been previously curated by ICSL or reported in the Human Gene Mutation Database (HGMD: prior to June 1st, 2018), and was therefore a candidate for classification through an automated scoring system. Utilizing variant allele frequency, disease prevalence and penetrance estimates, and inheritance mode, an automated score was calculated to assess if this variant is too frequent to cause the disease. Based on the score and internal cut-off values, a variant classified as benign is not then subjected to further curation. The score for this variant resulted in a classification of benign for this disease.

NM_001203.3(BMPR1B):c.*487G>T

Gene: BMPR1B (bone morphogenetic protein receptor type 1B; plus strand). Cytogenetic location: 4q22.3.
Variant type: single nucleotide variant.
Coding change: c.*487G>T on transcript NM_001203.3 (MANE Select); 487 bases downstream of the stop codon, G replaced by T.
Molecular consequence: 3 prime UTR variant.
Genome position (GRCh38, 1-based): chr4:95,155,160, G>T. VCF-style: chr4-95155160-G-T. GRCh37 (hg19) VCF-style: chr4-96076311-G-T.
Other names: c.*487G>T (NM_001256792.2, NM_001256793.2, NM_001256794.1).
Identifiers: ClinVar variation 350138 (VCV000350138.5), dbSNP rs183245717, ClinGen allele CA10618650.
Genomic context (GRCh38, chr4:95,155,160, plus strand): 5'-CTTGTTTTTCCATTGGTAAAATATTGTTGCACTCTGTGAACCAAAAGACAGTCTAAGTTG[G>T]AGGACATAGAACGGAACTCATCTTAAACATACTCCCCACCCCGTCTTGGCCTCCTCAGAC-3'